The following is an entry in ClinVar:

NM_000038.6(APC):c.2657del (p.Gln886fs)

Gene: APC (APC regulator of Wnt signaling pathway; plus strand). Cytogenetic location: 5q22.2.
Variant type: Deletion.
Coding change: c.2657del on transcript NM_000038.6 (MANE Select); coding-DNA position 2657, one base deleted (A; older notation c.2657delA).
Protein change: p.Gln886fs; shifts the reading frame from glutamine 886.
Molecular consequence: frameshift variant.
Genome position (GRCh38, 1-based): chr5:112,838,251, A deleted. VCF-style (leftmost placement, unchanged base first): chr5-112838250-CA-C. GRCh37 (hg19) VCF-style: chr5-112173947-CA-C.
Other names: c.2657del, p.Gln886fs (NM_001127510.3, NM_001354895.2); c.2603del, p.Gln868fs (NM_001127511.3); c.2711del, p.Gln904fs (NM_001354896.2); c.2687del, p.Gln896fs (NM_001354897.2); c.2582del, p.Gln861fs (NM_001354898.2); c.2573del, p.Gln858fs (NM_001354899.2); c.2534del, p.Gln845fs (NM_001354900.2); c.2480del, p.Gln827fs (NM_001354901.2); and 5 more; short protein forms Q785fs, Q868fs, Q827fs, Q861fs, Q904fs, Q726fs, Q760fs, Q858fs.
Identifiers: ClinVar variation 921093 (VCV000921093.3), dbSNP rs1765237683, ClinGen allele CA1139655915.

ClinVar aggregate classification (germline): Pathogenic (1 of 4 stars; one submission).

Conditions:
Hereditary cancer-predisposing syndrome. Also called: Neoplastic Syndromes, Hereditary; Tumor predisposition; Hereditary Cancer Syndrome; Hereditary neoplastic syndrome. Identifiers: Orphanet 140162, MedGen C0027672, MeSH D009386, MONDO:0015356.

Submission:

Color Diagnostics, LLC DBA Color Health
Classification: Pathogenic for Hereditary cancer-predisposing syndrome. Last evaluated: 2019-12-09. Review status: criteria provided, single submitter. Criteria: ACMG Guidelines, 2015. Collection method: clinical testing. Allele origin: germline.
Comment: This variant deletes 1 nucleotide in exon 16 of the APC gene, creating a frameshift and premature translation stop signal. This variant is expected to result in an absent or non-functional protein product. Splice site prediction tools suggest that this variant may not impact RNA splicing. To our knowledge, functional studies have not been performed for this variant. This variant has not been reported in individuals affected with hereditary cancer in the literature. This variant has not been identified in the general population by the Genome Aggregation Database (gnomAD). Based on the available evidence, this variant is classified as Pathogenic.